The following is an entry in ClinVar:

ClinVar aggregate classification (germline): Uncertain significance. Review status: criteria provided, multiple submitters, no conflicts (2 of 4 stars). 2 submissions from 2 submitters: Uncertain significance (2). Last evaluated 2025-03-08.

Conditions:
Inborn genetic diseases. Identifiers: MedGen C0950123, MeSH D030342.
Cone-rod dystrophy 6 (CORD6). Also called: RETINAL CONE DYSTROPHY 2; Cone dystrophy progressive. Identifiers: Orphanet 1872, MedGen C1866293, MONDO:0011143, OMIM 601777.
Leber congenital amaurosis 1 (LCA1). Also called: AMAUROSIS CONGENITA OF LEBER I; RETINAL BLINDNESS, CONGENITAL; Congenital absence of the rods and cones; Leber's congenital tapetoretinal degeneration; Leber's congenital tapetoretinal dysplasia. Identifiers: Orphanet 65, MedGen C2931258, MONDO:0008764, OMIM 204000.

Allele frequency attached by ClinVar (database versions not stated): gnomAD exomes 0.00001 and 0.00002; ExAC 0.00002; gnomAD 0.00002; TOPMed 0.00002.
gnomAD v4.1: 18 of 1,613,862 alleles (0.0011%); highest among the groups gnomAD compares: Admixed American, 0.0067%; no homozygotes.

Submissions (2):

Ambry Genetics
Classification: Uncertain significance for Inborn genetic diseases. Last evaluated: 2025-03-08. Review status: criteria provided, single submitter. Criteria: Ambry Variant Classification Scheme 2023. Collection method: clinical testing. Allele origin: germline.

Labcorp Genetics (formerly Invitae), Labcorp
Classification: Uncertain significance for Leber congenital amaurosis 1; Cone-rod dystrophy 6. Last evaluated: 2022-07-01. Review status: criteria provided, single submitter. Criteria: Invitae Variant Classification Sherloc (09022015). Collection method: clinical testing. Allele origin: germline.
Comment: This sequence change replaces glycine, which is neutral and non-polar, with serine, which is neutral and polar, at codon 686 of the GUCY2D protein (p.Gly686Ser). This variant is present in population databases (rs766482364, gnomAD 0.007%). This variant has not been reported in the literature in individuals affected with GUCY2D-related conditions. ClinVar contains an entry for this variant (Variation ID: 1007366). Algorithms developed to predict the effect of missense changes on protein structure and function are either unavailable or do not agree on the potential impact of this missense change (SIFT: "Deleterious"; PolyPhen-2: "Possibly Damaging"; Align-GVGD: "Class C0"). In summary, the available evidence is currently insufficient to determine the role of this variant in disease. Therefore, it has been classified as a Variant of Uncertain Significance.

NM_000180.4(GUCY2D):c.2056G>A (p.Gly686Ser)

Gene: GUCY2D (guanylate cyclase 2D, retinal; plus strand). Cytogenetic location: 17p13.1.
Variant type: single nucleotide variant.
Coding change: c.2056G>A on transcript NM_000180.4 (MANE Select); coding-DNA position 2056, G replaced by A.
Protein change: p.Gly686Ser; replaces glycine 686 with serine.
Molecular consequence: missense variant.
Genome position (GRCh38, 1-based): chr17:8,012,549, G>A. VCF-style: chr17-8012549-G-A. GRCh37 (hg19) VCF-style: chr17-7915867-G-A.
Other names: c.2056G>A (NM_000180.3); short protein forms G686S.
Identifiers: ClinVar variation 1007366 (VCV001007366.7), dbSNP rs766482364, ClinGen allele CA8365976.
Genomic context (GRCh38, chr17:8,012,549, plus strand): 5'-CGGCTGAAGTCACGGAACTGCATAGTGGATGGCAGATTCGTACTCAAGATCACTGACCAC[G>A]GCCACGGGAGACTGCTGGAAGCACAGAAGGTGCTACCGGAGCCTCCCAGAGCGGAGGGTA-3'
Protein context (NP_000171.1, residues 676-696): GRFVLKITDH[Gly686Ser]HGRLLEAQKV